The following is an entry in ClinVar:

NM_001365951.3(KIF1B):c.1402C>T (p.Pro468Ser)

Gene: KIF1B (kinesin family member 1B; plus strand). Cytogenetic location: 1p36.22.
Variant type: single nucleotide variant.
Coding change: c.1402C>T on transcript NM_001365951.3 (MANE Select); coding-DNA position 1402, C replaced by T.
Protein change: p.Pro468Ser; replaces proline 468 with serine.
Molecular consequence: missense variant.
Genome position (GRCh38, 1-based): chr1:10,282,501, C>T. VCF-style: chr1-10282501-C-T. GRCh37 (hg19) VCF-style: chr1-10342559-C-T.
Other names: c.1402C>T, p.Pro468Ser (NM_001365952.1); c.1264C>T, p.Pro422Ser (NM_001365953.1, NM_015074.3, NM_183416.4); short protein forms P422S, P468S.
Identifiers: ClinVar variation 3533915 (VCV003533915.1).

ClinVar aggregate classification (germline): Uncertain significance (1 of 4 stars; one submission).

Submission:

Ambry Genetics
Classification: Uncertain significance. Last evaluated: 2024-06-27. Review status: criteria provided, single submitter. Criteria: Ambry Variant Classification Scheme 2023. Collection method: clinical testing. Allele origin: germline.
Comment: The p.P422S variant (also known as c.1264C>T), located in coding exon 12 of the KIF1B gene, results from a C to T substitution at nucleotide position 1264. The proline at codon 422 is replaced by serine, an amino acid with similar properties. This amino acid position is conserved. In addition, the in silico prediction for this alteration is inconclusive. Based on the available evidence, the clinical significance of this variant remains unclear.